The following is an entry in ClinVar:

ClinVar aggregate classification (germline): Pathogenic (1 of 4 stars; one submission).

Submission:

CeGaT Center for Human Genetics Tuebingen
Classification: Pathogenic. Last evaluated: 2022-05-01. Review status: criteria provided, single submitter. Criteria: CeGaT Center For Human Genetics Tuebingen Variant Classification Criteria Version 2. Collection method: clinical testing. Allele origin: germline. Affected: yes. Observed: 2 variant alleles.
Comment: DLG4: PVS1, PM2

NM_001321075.3(DLG4):c.1184_1186+7del

Genes: DLG4 (discs large MAGUK scaffold protein 4; minus strand), LOC126862479 (MED14-independent group 3 enhancer GRCh37_chr17:7099412-7100611; plus strand). Cytogenetic location: 17p13.1.
Variant type: Deletion.
Coding change: c.1184_1186+7del on transcript NM_001321075.3 (MANE Select); coding-DNA position 1184 through 7 bases into the intron after coding-DNA position 1186, 10 bases deleted (AAGGTACCAG; older notation c.1184_1186+7delAAGGTACCAG).
Molecular consequence: splice donor variant.
Genome position (GRCh38, 1-based): chr17:7,196,466-7,196,475, CTGGTACCTT deleted on the plus strand (AAGGTACCAG on the coding strand, the reverse complement: DLG4 is on the minus strand); deleting any 10 consecutive bases within chr17:7,196,466-7,196,480 gives the same sequence; the c. name uses the placement nearest the transcript's 3' end. VCF-style (leftmost placement, unchanged base first): chr17-7196465-CCTGGTACCTT-C. GRCh37 (hg19) VCF-style: chr17-7099784-CCTGGTACCTT-C.
Other names: c.1313_1315+7del (NM_001365.5); c.1175_1177+7del (NM_001128827.4); c.1103_1105+7del (NM_001369566.3); c.1004_1006+7del (NM_001321077.3, NM_001321076.3); c.1304_1306+7del (NM_001321074.1).
Identifiers: ClinVar variation 1335243 (VCV001335243.34), dbSNP rs2142843440, ClinGen allele CA2573054560.
Genomic context (GRCh38, chr17:7,196,465, plus strand): 5'-GCCATCAGCTGAGGAAGAGTTCTAAGGGCCATTTCAGCTCACAAGACAAGGAACTTCCGG[CCTGGTACCTT>C]CTGGTTTATACTGAGCGATGATCGTGACCGTCTGACCCGCATTCTTCAGGGCAATGGCAG-3'